The following is an entry in ClinVar:

ClinVar aggregate classification (germline): Uncertain significance (1 of 4 stars; one submission).

Conditions:
Myasthenic syndrome, congenital, 22 (CMS22). Also called: PREPL DEFICIENCY. Identifiers: MedGen C4479088, MONDO:0044299, OMIM 616224.

gnomAD v4.1: 1 of 1,613,708 alleles (0.000062%); highest among the groups gnomAD compares: Non-Finnish European, 0.000085%; no homozygotes.

Submission:

Labcorp Genetics (formerly Invitae), Labcorp
Classification: Uncertain significance for Myasthenic syndrome, congenital, 22. Last evaluated: 2025-07-20. Review status: criteria provided, single submitter. Criteria: Invitae Variant Classification Sherloc (09022015). Collection method: clinical testing. Allele origin: germline.
Comment: This sequence change replaces histidine, which is basic and polar, with tyrosine, which is neutral and polar, at codon 696 of the PREPL protein (p.His696Tyr). This variant is not present in population databases (gnomAD no frequency). This variant has not been reported in the literature in individuals affected with PREPL-related conditions. Invitae Evidence Modeling of protein sequence and biophysical properties (such as structural, functional, and spatial information, amino acid conservation, physicochemical variation, residue mobility, and thermodynamic stability) indicates that this missense variant is not expected to disrupt PREPL protein function with a negative predictive value of 80%. In summary, the available evidence is currently insufficient to determine the role of this variant in disease. Therefore, it has been classified as a Variant of Uncertain Significance.

NM_001171613.2(PREPL):c.1819C>T (p.His607Tyr)

Genes: PREPL (prolyl endopeptidase like; minus strand), SLC3A1 (solute carrier family 3 member 1; plus strand). Cytogenetic location: 2p21.
Variant type: single nucleotide variant.
Coding change: c.1819C>T on transcript NM_001171613.2 (MANE Select); coding-DNA position 1819, C replaced by T.
Protein change: p.His607Tyr; replaces histidine 607 with tyrosine.
Molecular consequence: missense variant.
Genome position (GRCh38, 1-based): chr2:44,321,835, G>A on the plus strand (C>T on the coding strand, the complement: PREPL is on the minus strand). VCF-style: chr2-44321835-G-A. GRCh37 (hg19) VCF-style: chr2-44548974-G-A.
Other names: c.1900C>T, p.His634Tyr (NM_001042385.2); c.1888C>T, p.His630Tyr (NM_001042386.2); c.2086C>T, p.His696Tyr (NM_001171603.1, NM_001171606.2, NM_001374275.1 and 2 more transcripts); c.1819C>T, p.His607Tyr (NM_001171617.1, NM_001374277.1); short protein forms H696Y, H607Y, H630Y, H634Y.
Identifiers: ClinVar variation 4739348 (VCV004739348.1).